The following is an entry in ClinVar:

ClinVar aggregate classification (germline): Uncertain significance. Review status: criteria provided, multiple submitters, no conflicts (2 of 4 stars). 3 submissions from 3 submitters: Uncertain significance (3). Last evaluated 2025-11-26.

Conditions:
Inborn genetic diseases. Identifiers: MedGen C0950123, MeSH D030342.
Autosomal recessive limb-girdle muscular dystrophy type 2P. Also called: MUSCULAR DYSTROPHY, LIMB-GIRDLE, TYPE 2P; Limb-Girdle Muscular Dystrophy Type 9C; MUSCULAR DYSTROPHY-DYSTROGLYCANOPATHY, LIMB-GIRDLE, DAG1-RELATED. Identifiers: Orphanet 280333, MedGen C4511963, MONDO:0013440, OMIM 613818.
Muscular dystrophy-dystroglycanopathy (congenital with brain and eye anomalies), type A9. Also called: WALKER-WARBURG SYNDROME OR MUSCLE-EYE BRAIN DISEASE, DAG1-RELATED; Muscular dystrophy-dystroglycanopathy (congenital with brain and eye anomalies), type a, 9. Identifiers: Orphanet 370997, Orphanet 899, MedGen C4225291, MONDO:0014683, OMIM 616538.

Allele frequency attached by ClinVar (database versions not stated): gnomAD exomes 0.00001 and below 0.00001; TOPMed 0.00001.
gnomAD v4.1: 14 of 1,614,182 alleles (0.00087%); highest among the groups gnomAD compares: Non-Finnish European, 0.00093%; no homozygotes.

Submissions (3):

Labcorp Genetics (formerly Invitae), Labcorp
Classification: Uncertain significance for Autosomal recessive limb-girdle muscular dystrophy type 2P; Muscular dystrophy-dystroglycanopathy (congenital with brain and eye anomalies), type A9. Last evaluated: 2025-11-26. Review status: criteria provided, single submitter. Criteria: Invitae Variant Classification Sherloc (09022015). Collection method: clinical testing. Allele origin: germline.
Comment: This sequence change replaces lysine, which is basic and polar, with arginine, which is basic and polar, at codon 609 of the DAG1 protein (p.Lys609Arg). This variant is present in population databases (rs200798800, gnomAD no frequency). This variant has not been reported in the literature in individuals affected with DAG1-related conditions. ClinVar contains an entry for this variant (Variation ID: 539132). Invitae Evidence Modeling of protein sequence and biophysical properties (such as structural, functional, and spatial information, amino acid conservation, physicochemical variation, residue mobility, and thermodynamic stability) indicates that this missense variant is not expected to disrupt DAG1 protein function with a negative predictive value of 80%. In summary, the available evidence is currently insufficient to determine the role of this variant in disease. Therefore, it has been classified as a Variant of Uncertain Significance.

Ambry Genetics
Classification: Uncertain significance for Inborn genetic diseases. Last evaluated: 2024-10-01. Review status: criteria provided, single submitter. Criteria: Ambry Variant Classification Scheme 2023. Collection method: clinical testing. Allele origin: germline.

Revvity Omics, Revvity
Classification: Uncertain significance. Last evaluated: 2023-01-13. Review status: criteria provided, single submitter. Criteria: ACMG Guidelines, 2015. Collection method: clinical testing. Allele origin: germline.

NM_004393.6(DAG1):c.1826A>G (p.Lys609Arg)

Gene: DAG1 (dystroglycan 1; plus strand). Cytogenetic location: 3p21.31.
Variant type: single nucleotide variant.
Coding change: c.1826A>G on transcript NM_004393.6 (MANE Select); coding-DNA position 1826, A replaced by G.
Protein change: p.Lys609Arg; replaces lysine 609 with arginine.
Molecular consequence: missense variant.
Genome position (GRCh38, 1-based): chr3:49,532,337, A>G. VCF-style: chr3-49532337-A-G. GRCh37 (hg19) VCF-style: chr3-49569770-A-G.
Other names: c.1826A>G, p.Lys609Arg (NM_001165928.4, NM_001177634.3, NM_001177635.3 and 9 more transcripts); c.1826A>G (NM_004393.4); short protein forms K609R.
Identifiers: ClinVar variation 539132 (VCV000539132.11), dbSNP rs200798800, ClinGen allele CA74522428.
Genomic context (GRCh38, chr3:49,532,337, plus strand): 5'-ATGCCTTCGAGATCCACGTCCACAGGCGCCCCCAAGGGGATAGGGCTCCTGCAAGGTTCA[A>G]GGCCAAGTTTGTGGGTGACCCGGCACTGGTGTTGAATGACATCCACAAGAAGATTGCCTT-3'
Protein context (NP_004384.5, residues 599-619): PQGDRAPARF[Lys609Arg]AKFVGDPALV